The following is an entry in ClinVar:

ClinVar aggregate classification (germline): Likely benign. Review status: criteria provided, multiple submitters, no conflicts (2 of 4 stars). 3 submissions from 3 submitters: Likely benign (2). 1 of the submissions does not count toward it. Last evaluated 2026-01-21.

Conditions:
GABRB3-related disorder. Also called: GABRB3-related condition.
Epilepsy, childhood absence, susceptibility to, 1. Also called: Epilepsy, childhood absence 1. Identifiers: Orphanet 64280, MedGen C1838604, MONDO:0020759, OMIM 600131.
Epilepsy, childhood absence, susceptibility to, 5. Identifiers: Orphanet 64280, MedGen C2677087, MONDO:0012843, OMIM 612269.

Allele frequency attached by ClinVar (database versions not stated): ExAC 0.00001; gnomAD exomes 0.00001; TOPMed 0.00002.
gnomAD v4.1: 6 of 1,614,142 alleles (0.00037%); highest among the groups gnomAD compares: Admixed American, 0.005%; no homozygotes.

Submissions (3):

Labcorp Genetics (formerly Invitae), Labcorp
Classification: Likely benign for Epilepsy, childhood absence, susceptibility to, 5; Epilepsy, childhood absence, susceptibility to, 1. Last evaluated: 2026-01-21. Review status: criteria provided, single submitter. Criteria: Invitae Variant Classification Sherloc (09022015). Collection method: clinical testing. Allele origin: germline.

GeneDx
Classification: Likely benign. Last evaluated: 2016-03-06. Review status: criteria provided, single submitter. Criteria: GeneDx Variant Classification (06012015). Collection method: clinical testing. Allele origin: germline. Affected: yes.
Comment: This variant is considered likely benign or benign based on one or more of the following criteria: it is a conservative change, it occurs at a poorly conserved position in the protein, it is predicted to be benign by multiple in silico algorithms, and/or has population frequency not consistent with disease.

PreventionGenetics, part of Exact Sciences
Classification: Likely benign for GABRB3-related condition. Last evaluated: 2021-08-24. Review status: no assertion criteria provided. Collection method: clinical testing. Allele origin: germline. Not counted in ClinVar's aggregate classification.
Comment: This variant is classified as likely benign based on ACMG/AMP sequence variant interpretation guidelines (Richards et al. 2015 PMID: 25741868, with internal and published modifications).

NM_000814.6(GABRB3):c.1104G>C (p.Leu368=)

Gene: GABRB3 (gamma-aminobutyric acid type A receptor subunit beta3; minus strand). Cytogenetic location: 15q12.
Variant type: single nucleotide variant.
Coding change: c.1104G>C on transcript NM_000814.6 (MANE Select); coding-DNA position 1104, G replaced by C.
Protein change: p.Leu368=; no amino-acid change (leucine 368 retained).
Molecular consequence: synonymous variant.
Genome position (GRCh38, 1-based): chr15:26,548,111, C>G on the plus strand (G>C on the coding strand, the complement: GABRB3 is on the minus strand). VCF-style: chr15-26548111-C-G. GRCh37 (hg19) VCF-style: chr15-26793258-C-G.
Other names: c.849G>C, p.Leu283= (NM_001191320.2, NM_001278631.2); c.891G>C, p.Leu297= (NM_001191321.3); c.1104G>C, p.Leu368= (NM_021912.5).
Identifiers: ClinVar variation 384055 (VCV000384055.12), dbSNP rs777145235, ClinGen allele CA7437301.